The following is an entry in ClinVar:

NM_001148.6(ANK2):c.157G>C (p.Gly53Arg)

Gene: ANK2 (ankyrin 2; plus strand). Cytogenetic location: 4q25.
Variant type: single nucleotide variant.
Coding change: c.157G>C on transcript NM_001148.6 (MANE Select); coding-DNA position 157, G replaced by C.
Protein change: p.Gly53Arg; replaces glycine 53 with arginine.
Molecular consequence: missense variant.
Genome position (GRCh38, 1-based): chr4:113,174,488, G>C. VCF-style: chr4-113174488-G-C. GRCh37 (hg19) VCF-style: chr4-114095644-G-C.
Other names: c.94G>C, p.Gly32Arg (NM_001127493.3, NM_001354239.2, NM_001354243.2 and 33 more transcripts); c.157G>C, p.Gly53Arg (NM_001354225.2, NM_001354228.2, NM_001354232.2 and 9 more transcripts); c.202G>C, p.Gly68Arg (NM_001354230.2, NM_001354231.2, NM_001354237.2 and 5 more transcripts); c.139G>C, p.Gly47Arg (NM_001354261.2, NM_001386147.1, NM_001386160.1); c.145G>C, p.Gly49Arg (NM_001354269.3, NM_001386148.2, NM_001386186.2 and 1 more transcripts); c.208G>C, p.Gly70Arg (NM_001386174.1, NM_001386175.1); short protein forms G32R, G53R, G68R, G47R, G49R, G70R.
Identifiers: ClinVar variation 855482 (VCV000855482.5), dbSNP rs1328490060, ClinGen allele CA357992996.

ClinVar aggregate classification (germline): Uncertain significance (1 of 4 stars; one submission).

Conditions:
Long QT syndrome (LQTS). Identifiers: MedGen C0023976, MeSH D008133, MONDO:0002442. Disease mechanism: loss of function. Inheritance: Various modes of inheritance.

gnomAD v4.1: 1 of 1,612,826 alleles (0.000062%); highest among the groups gnomAD compares: Non-Finnish European, 0.000085%; no homozygotes.

Submission:

Labcorp Genetics (formerly Invitae), Labcorp
Classification: Uncertain significance for Long QT syndrome. Last evaluated: 2022-03-09. Review status: criteria provided, single submitter. Criteria: Invitae Variant Classification Sherloc (09022015). Collection method: clinical testing. Allele origin: germline.
Comment: This variant has not been reported in the literature in individuals affected with ANK2-related conditions. ClinVar contains an entry for this variant (Variation ID: 855482). This variant is not present in population databases (gnomAD no frequency). This sequence change replaces glycine, which is neutral and non-polar, with arginine, which is basic and polar, at codon 53 of the ANK2 protein (p.Gly53Arg). In summary, the available evidence is currently insufficient to determine the role of this variant in disease. Therefore, it has been classified as a Variant of Uncertain Significance. Algorithms developed to predict the effect of missense changes on protein structure and function are either unavailable or do not agree on the potential impact of this missense change (SIFT: "Tolerated"; PolyPhen-2: "Probably Damaging"; Align-GVGD: "Class C0").